The following is an entry in ClinVar:

NM_000203.5(IDUA):c.109dup (p.Ala37fs)

Genes: IDUA (alpha-L-iduronidase; plus strand), SLC26A1 (solute carrier family 26 member 1; minus strand). Cytogenetic location: 4p16.3.
Variant type: Duplication.
Coding change: c.109dup on transcript NM_000203.5 (MANE Select); coding-DNA position 109, one base duplicated (G; older notation c.109dupG).
Protein change: p.Ala37fs; shifts the reading frame from alanine 37.
Molecular consequence: frameshift variant. On other transcripts: non-coding transcript variant (1), intron variant (1).
Genome position (GRCh38, 1-based): chr4:987,193, G duplicated; the last of 2 consecutive G bases (chr4:987,192-987,193); duplicating either gives the same sequence. VCF-style (leftmost placement, unchanged base first): chr4-987191-C-CG. GRCh37 (hg19) VCF-style: chr4-980979-C-CG.
Other names: c.576+3936dup (NM_134425.4); short protein forms A37fs.
Identifiers: ClinVar variation 5011939 (VCV005011939.1).

ClinVar aggregate classification (germline): Pathogenic (1 of 4 stars; one submission).

Conditions:
Mucopolysaccharidosis type 1. Also called: IDUA deficiency; MPS I; Mucopolysaccharidosis Type I. Identifiers: Orphanet 579, MedGen C0023786, MONDO:0001586.

Submission:

Myriad Genetics, Inc.
Classification: Pathogenic for Mucopolysaccharidosis type 1. Last evaluated: 2023-09-27. Review status: criteria provided, single submitter. Criteria: Myriad Autosomal Dominant, Autosomal Recessive and X-Linked Classification Criteria (2023). Collection method: clinical testing. Allele origin: unknown.
Comment: NM_000203.3(IDUA):c.109dupG(A37Gfs*26) is expected to be pathogenic in the context of mucopolysaccharidosis type I. This variant is predicted to lead to an abnormal or absent protein product due to the creation of a premature termination codon in IDUA, a gene where loss-of-function variants are known to be pathogenic. Please note: this variant was assessed in the context of healthy population screening.